The following is an entry in ClinVar:

ClinVar aggregate classification (germline): Uncertain significance (1 of 4 stars; one submission).

Conditions:
Pulmonary fibrosis and/or bone marrow failure, Telomere-related, 3. Also called: PULMONARY FIBROSIS AND/OR BONE MARROW FAILURE SYNDROME, TELOMERE-RELATED, 3. Identifiers: Orphanet 2032, MedGen C4225346, MONDO:0014613, OMIM 616373.
Dyskeratosis congenita, autosomal recessive 5 (DKCB5). Identifiers: MedGen C3554656, MONDO:0014076, OMIM 615190.

gnomAD v4.1: 2 of 1,612,516 alleles (0.00012%); highest among the groups gnomAD compares: South Asian, 0.0022%; no homozygotes.

Submission:

Labcorp Genetics (formerly Invitae), Labcorp
Classification: Uncertain significance for Dyskeratosis congenita, autosomal recessive 5; Pulmonary fibrosis and/or bone marrow failure, Telomere-related, 3. Last evaluated: 2024-12-18. Review status: criteria provided, single submitter. Criteria: Invitae Variant Classification Sherloc (09022015). Collection method: clinical testing. Allele origin: germline.
Comment: This sequence change replaces alanine, which is neutral and non-polar, with glycine, which is neutral and non-polar, at codon 429 of the RTEL1 protein (p.Ala429Gly). This variant is not present in population databases (gnomAD no frequency). This variant has not been reported in the literature in individuals affected with RTEL1-related conditions. ClinVar contains an entry for this variant (Variation ID: 1438607). An algorithm developed to predict the effect of missense changes on protein structure and function (PolyPhen-2) suggests that this variant is likely to be tolerated. In summary, the available evidence is currently insufficient to determine the role of this variant in disease. Therefore, it has been classified as a Variant of Uncertain Significance.

NM_001283009.2(RTEL1):c.1286C>G (p.Ala429Gly)

Genes: RTEL1 (regulator of telomere elongation helicase 1; plus strand), RTEL1-TNFRSF6B (RTEL1-TNFRSF6B readthrough (NMD candidate); plus strand). Cytogenetic location: 20q13.33.
Variant type: single nucleotide variant.
Coding change: c.1286C>G on transcript NM_001283009.2 (MANE Select); coding-DNA position 1286, C replaced by G.
Protein change: p.Ala429Gly; replaces alanine 429 with glycine.
Molecular consequence: missense variant. On other transcripts: non-coding transcript variant (1).
Genome position (GRCh38, 1-based): chr20:63,685,810, C>G. VCF-style: chr20-63685810-C-G. GRCh37 (hg19) VCF-style: chr20-62317163-C-G.
Other names: c.617C>G, p.Ala206Gly (NM_001283010.1); c.1286C>G, p.Ala429Gly (NM_016434.4); c.1358C>G, p.Ala453Gly (NM_032957.5); short protein forms A206G, A453G, A429G.
Identifiers: ClinVar variation 1438607 (VCV001438607.7), dbSNP rs149428839, ClinGen allele CA9964723.